The following is an entry in ClinVar:

ClinVar aggregate classification (germline): Benign (1 of 4 stars; one submission).

Allele frequency attached by ClinVar (database versions not stated): 1000 Genomes Project 30x 0.31980; 1000 Genomes Project 0.32089; TOPMed 0.32712; gnomAD 0.32998 and 0.33570.
gnomAD v4.1: 50,918 of 152,040 alleles (33%); highest among the groups gnomAD compares: Admixed American, 42%; 9,158 homozygotes.

Submission:

GeneDx
Classification: Benign. Last evaluated: 2018-06-16. Review status: criteria provided, single submitter. Criteria: GeneDx Variant Classification (06012015). Collection method: clinical testing. Allele origin: germline. Affected: yes.
Comment: This variant is considered likely benign or benign based on one or more of the following criteria: it is a conservative change, it occurs at a poorly conserved position in the protein, it is predicted to be benign by multiple in silico algorithms, and/or has population frequency not consistent with disease.

NM_018451.5(CPAP):c.975-283A>G

Gene: CPAP (centrosome assembly and centriole elongation protein; minus strand). Cytogenetic location: 13q12.13.
Variant type: single nucleotide variant.
Coding change: c.975-283A>G on transcript NM_018451.5 (MANE Select); 283 bases into the intron before coding-DNA position 975, A replaced by G.
Molecular consequence: intron variant.
Genome position (GRCh38, 1-based): chr13:24,907,476, T>C on the plus strand (A>G on the coding strand, the complement: CPAP is on the minus strand). VCF-style: chr13-24907476-T-C. GRCh37 (hg19) VCF-style: chr13-25481614-T-C.
Identifiers: ClinVar variation 668063 (VCV000668063.1), dbSNP rs1451569, ClinGen allele CA13909144.